The following is an entry in ClinVar:

NM_000069.3(CACNA1S):c.1732A>G (p.Met578Val)

Gene: CACNA1S (calcium voltage-gated channel subunit alpha1 S; minus strand). Cytogenetic location: 1q32.1.
Variant type: single nucleotide variant.
Coding change: c.1732A>G on transcript NM_000069.3 (MANE Select); coding-DNA position 1732, A replaced by G.
Protein change: p.Met578Val; replaces methionine 578 with valine.
Molecular consequence: missense variant.
Genome position (GRCh38, 1-based): chr1:201,077,015, T>C on the plus strand (A>G on the coding strand, the complement: CACNA1S is on the minus strand). VCF-style: chr1-201077015-T-C. GRCh37 (hg19) VCF-style: chr1-201046143-T-C.
Other names: short protein forms M578V.
Identifiers: ClinVar variation 2929980 (VCV002929980.3), dbSNP rs768900181, ClinGen allele CA344119947.

ClinVar aggregate classification (germline): Uncertain significance (1 of 4 stars; one submission).

Conditions:
Malignant hyperthermia, susceptibility to, 5 (MHS5). Also called: CACNA1S-Related Malignant Hyperthermia Susceptibility. Identifiers: Orphanet 423, MedGen C1866077, MONDO:0011163, OMIM 601887.
Hypokalemic periodic paralysis, type 1. Also called: Hypokalemic Periodic Paralysis Type 1 (AD); HypoPP. Identifiers: Orphanet 681, MedGen C3714580, MONDO:0042979, OMIM 170400.

Submission:

Labcorp Genetics (formerly Invitae), Labcorp
Classification: Uncertain significance for Hypokalemic periodic paralysis, type 1; Malignant hyperthermia, susceptibility to, 5. Last evaluated: 2023-11-18. Review status: criteria provided, single submitter. Criteria: Invitae Variant Classification Sherloc (09022015). Collection method: clinical testing. Allele origin: germline.
Comment: This sequence change replaces methionine, which is neutral and non-polar, with valine, which is neutral and non-polar, at codon 578 of the CACNA1S protein (p.Met578Val). This variant is not present in population databases (gnomAD no frequency). This variant has not been reported in the literature in individuals affected with CACNA1S-related conditions. Advanced modeling of protein sequence and biophysical properties (such as structural, functional, and spatial information, amino acid conservation, physicochemical variation, residue mobility, and thermodynamic stability) performed at Invitae indicates that this missense variant is expected to disrupt CACNA1S protein function with a positive predictive value of 80%. In summary, the available evidence is currently insufficient to determine the role of this variant in disease. Therefore, it has been classified as a Variant of Uncertain Significance.